The following is an entry in ClinVar:

ClinVar aggregate classification (germline): Conflicting classifications of pathogenicity. Review status: criteria provided, conflicting classifications (1 of 4 stars). 4 submissions from 4 submitters: Uncertain significance (2); Likely benign (2). Last evaluated 2025-09-19.

Conditions:
Inborn genetic diseases. Identifiers: MedGen C0950123, MeSH D030342.
Charcot-Marie-Tooth disease. Also called: Charcot-Marie-Tooth Neuropathy; Charcot-Marie-Tooth Hereditary Neuropathy. Identifiers: Orphanet 166, MedGen C0007959, MONDO:0015626.
Charcot-Marie-Tooth disease type 4. Also called: Charcot-Marie-Tooth, Type 4; Charcot-Marie-Tooth disease, type IV. Identifiers: Orphanet 64749, MedGen C4082197, MONDO:0018995.

Allele frequency attached by ClinVar (database versions not stated): gnomAD exomes 0.00004 and 0.00007; ExAC 0.00007; TOPMed 0.00007; gnomAD 0.00009; ESP Exome Variant Server 0.00038.
gnomAD v4.1: 82 of 1,612,844 alleles (0.0051%); highest among the groups gnomAD compares: African/African-American, 0.0013%; no homozygotes.

Submissions (4):

Labcorp Genetics (formerly Invitae), Labcorp
Classification: Likely benign for Charcot-Marie-Tooth disease type 4. Last evaluated: 2025-09-19. Review status: criteria provided, single submitter. Criteria: Invitae Variant Classification Sherloc (09022015). Collection method: clinical testing. Allele origin: germline.

GeneDx
Classification: Uncertain significance. Last evaluated: 2025-02-26. Review status: criteria provided, single submitter. Criteria: GeneDx Variant Classification Process June 2021. Collection method: clinical testing. Allele origin: germline. Affected: yes.
Comment: In silico analysis indicates that this variant does not alter splicing; Has not been previously published as pathogenic or benign to our knowledge

Ambry Genetics
Classification: Uncertain significance for Inborn genetic diseases. Last evaluated: 2023-11-02. Review status: criteria provided, single submitter. Criteria: Ambry Variant Classification Scheme 2023. Collection method: clinical testing. Allele origin: germline.
Comment: The c.280-5T>C intronic alteration consists of a T to C substitution 5 nucleotides before coding exon 4 in the SBF2 gene. Based on insufficient or conflicting evidence, the clinical significance of this alteration remains unclear.

Molecular Genetics Laboratory, London Health Sciences Centre
Classification: Likely benign for Charcot-Marie-Tooth disease. Review status: criteria provided, single submitter. Criteria: ACMG Guidelines, 2015. Collection method: clinical testing. Allele origin: germline. Affected: yes.

NM_030962.4(SBF2):c.280-5T>C

Gene: SBF2 (SET binding factor 2; minus strand). Cytogenetic location: 11p15.4.
Variant type: single nucleotide variant.
Coding change: c.280-5T>C on transcript NM_030962.4 (MANE Select); 5 bases into the intron before coding-DNA position 280, T replaced by C.
Molecular consequence: intron variant.
Genome position (GRCh38, 1-based): chr11:10,031,175, A>G on the plus strand (T>C on the coding strand, the complement: SBF2 is on the minus strand). VCF-style: chr11-10031175-A-G. GRCh37 (hg19) VCF-style: chr11-10052722-A-G.
Other names: c.280-5T>C (NM_001386342.1, NM_001386339.1).
Identifiers: ClinVar variation 543508 (VCV000543508.15), dbSNP rs368118378, ClinGen allele CA5882157.